The following is an entry in ClinVar:

NM_007194.4(CHEK2):c.393A>G (p.Lys131=)

Gene: CHEK2 (checkpoint kinase 2; minus strand). Cytogenetic location: 22q12.1.
Variant type: single nucleotide variant.
Coding change: c.393A>G on transcript NM_007194.4 (MANE Select); coding-DNA position 393, A replaced by G.
Protein change: p.Lys131=; no amino-acid change (lysine 131 retained).
Molecular consequence: synonymous variant.
Genome position (GRCh38, 1-based): chr22:28,725,294, T>C on the plus strand (A>G on the coding strand, the complement: CHEK2 is on the minus strand). VCF-style: chr22-28725294-T-C. GRCh37 (hg19) VCF-style: chr22-29121282-T-C.
Other names: c.522A>G, p.Lys174= (NM_001005735.3); c.-385A>G (NM_001257387.3); c.393A>G, p.Lys131= (NM_001349956.3, NM_145862.3); c.393A>G (NM_007194.3).
Identifiers: ClinVar variation 1560059 (VCV001560059.11), dbSNP rs2146068876, ClinGen allele CA514168979.

ClinVar aggregate classification (germline): Benign/Likely benign. Review status: criteria provided, multiple submitters, no conflicts (2 of 4 stars). 3 submissions from 3 submitters: Benign (1); Likely benign (2). Last evaluated 2026-09-09.

Conditions:
Familial cancer of breast. Also called: Hereditary breast cancer; BREAST CANCER, FAMILIAL; hereditary breast carcinoma. Identifiers: Orphanet 227535, MedGen C0346153, MONDO:0016419, OMIM 114480. Disease mechanism: loss of function.
Hereditary cancer-predisposing syndrome. Also called: Hereditary Cancer Syndrome; Tumor predisposition; Neoplastic Syndromes, Hereditary; Hereditary neoplastic syndrome. Identifiers: Orphanet 140162, MedGen C0027672, MeSH D009386, MONDO:0015356.

Submissions (3):

Ambry Genetics
Classification: Likely benign for Hereditary cancer-predisposing syndrome. Last evaluated: 2026-09-09. Review status: criteria provided, single submitter. Criteria: Ambry Variant Classification Scheme 2023. Collection method: clinical testing. Allele origin: germline.

Myriad Genetics, Inc.
Classification: Benign for Familial cancer of breast. Last evaluated: 2024-10-02. Review status: criteria provided, single submitter. Criteria: Myriad Autosomal Dominant, Autosomal Recessive and X-Linked Classification Criteria (2023). Collection method: clinical testing. Allele origin: unknown.
Comment: This variant is considered benign. This variant is a silent/synonymous amino acid change and it is not expected to impact splicing.

Labcorp Genetics (formerly Invitae), Labcorp
Classification: Likely benign for Familial cancer of breast. Last evaluated: 2021-05-18. Review status: criteria provided, single submitter. Criteria: Invitae Variant Classification Sherloc (09022015). Collection method: clinical testing. Allele origin: germline.